The following is an entry in ClinVar:

NM_007294.4(BRCA1):c.2836A>G (p.Ile946Val)

Gene: BRCA1 (BRCA1 DNA repair associated; minus strand). Cytogenetic location: 17q21.31.
Variant type: single nucleotide variant.
Coding change: c.2836A>G on transcript NM_007294.4 (MANE Select); coding-DNA position 2836, A replaced by G.
Protein change: p.Ile946Val; replaces isoleucine 946 with valine.
Molecular consequence: missense variant. On other transcripts: intron variant (137).
Genome position (GRCh38, 1-based): chr17:43,092,695, T>C on the plus strand (A>G on the coding strand, the complement: BRCA1 is on the minus strand). VCF-style: chr17-43092695-T-C. GRCh37 (hg19) VCF-style: chr17-41244712-T-C.
Other names: c.2623A>G, p.Ile875Val (NM_001407571.1, NM_001407894.1, NM_001407915.1 and 9 more transcripts); c.2836A>G, p.Ile946Val (NM_001407581.1, NM_001407582.1, NM_001407583.1 and 30 more transcripts); c.2833A>G, p.Ile945Val (NM_001407587.1, NM_001407590.1, NM_001407591.1 and 22 more transcripts); c.2758A>G, p.Ile920Val (NM_001407656.1, NM_001407657.1, NM_001407658.1 and 4 more transcripts); c.2755A>G, p.Ile919Val (NM_001407659.1, NM_001407660.1, NM_001407661.1 and 1 more transcripts); c.2713A>G, p.Ile905Val (NM_001407664.1, NM_001407675.1, NM_001407676.1 and 19 more transcripts); c.2695A>G, p.Ile899Val (NM_001407695.1, NM_001407696.1, NM_001407697.1 and 29 more transcripts); c.2692A>G, p.Ile898Val (NM_001407740.1, NM_001407741.1, NM_001407742.1 and 20 more transcripts); and 41 more; short protein forms I946V, I899V, I650V, I857V, I904V, I905V, I834V, I835V.
Identifiers: ClinVar variation 821790 (VCV000821790.24), dbSNP rs876660901, ClinGen allele CA10596316.

ClinVar aggregate classification (germline): Conflicting classifications of pathogenicity. Review status: criteria provided, conflicting classifications (1 of 4 stars). 5 submissions from 5 submitters: Uncertain significance (4); Likely benign (1). Last evaluated 2025-09-30.

Conditions:
Hereditary cancer-predisposing syndrome. Also called: Hereditary Cancer Syndrome; Hereditary neoplastic syndrome; Neoplastic Syndromes, Hereditary; Tumor predisposition. Identifiers: Orphanet 140162, MedGen C0027672, MeSH D009386, MONDO:0015356.
Hereditary breast ovarian cancer syndrome. Also called: BRCA1- and BRCA2-Associated Hereditary Breast and Ovarian Cancer; Hereditary breast and ovarian cancer syndrome (HBOC); Hereditary breast and ovarian cancer syndrome; Breast and ovarian cancer; Hereditary breast and ovarian cancer; Hereditary breast and/or ovarian cancer syndrome. Identifiers: Orphanet 145, MedGen C0677776, MeSH D061325, MONDO:0003582. Disease mechanism: loss of function.
Familial cancer of breast. Also called: hereditary breast carcinoma; BREAST CANCER, FAMILIAL; Hereditary breast cancer. Identifiers: Orphanet 227535, MedGen C0346153, MONDO:0016419, OMIM 114480. Disease mechanism: loss of function.
Fanconi anemia, complementation group S (FANCS). Identifiers: MedGen C4554406, MONDO:0054748, OMIM 617883.
Breast-ovarian cancer, familial, susceptibility to, 1 (BROVCA1). Also called: OVARIAN CANCER, SUSCEPTIBILITY TO; BRCA1 Hereditary Breast and Ovarian Cancer. Identifiers: Orphanet 145, MedGen C2676676, MONDO:0011450, OMIM 604370. Disease mechanism: loss of function.

Submissions (5):

Ambry Genetics
Classification: Uncertain significance for Hereditary cancer-predisposing syndrome. Last evaluated: 2025-09-30. Review status: criteria provided, single submitter. Criteria: Ambry Variant Classification Scheme 2023. Collection method: clinical testing. Allele origin: germline.
Comment: The p.I946V variant (also known as c.2836A>G), located in coding exon 9 of the BRCA1 gene, results from an A to G substitution at nucleotide position 2836. The isoleucine at codon 946 is replaced by valine, an amino acid with highly similar properties. This amino acid position is not well conserved in available vertebrate species. In addition, this alteration is predicted to be tolerated by in silico analysis. Based on the available evidence, the clinical significance of this variant remains unclear.

Center for Genomic Medicine, Rigshospitalet, Copenhagen University Hospital
Classification: Uncertain significance. Last evaluated: 2025-03-04. Review status: criteria provided, single submitter. Criteria: ACMG Guidelines, 2015. Collection method: clinical testing. Allele origin: germline.

Labcorp Genetics (formerly Invitae), Labcorp
Classification: Uncertain significance for Hereditary breast ovarian cancer syndrome. Last evaluated: 2023-04-28. Review status: criteria provided, single submitter. Criteria: Invitae Variant Classification Sherloc (09022015). Collection method: clinical testing. Allele origin: germline.
Comment: In summary, the available evidence is currently insufficient to determine the role of this variant in disease. Therefore, it has been classified as a Variant of Uncertain Significance. Advanced modeling of protein sequence and biophysical properties (such as structural, functional, and spatial information, amino acid conservation, physicochemical variation, residue mobility, and thermodynamic stability) performed at Invitae indicates that this missense variant is not expected to disrupt BRCA1 protein function. ClinVar contains an entry for this variant (Variation ID: 821790). This variant has not been reported in the literature in individuals affected with BRCA1-related conditions. This variant is not present in population databases (gnomAD no frequency). This sequence change replaces isoleucine, which is neutral and non-polar, with valine, which is neutral and non-polar, at codon 946 of the BRCA1 protein (p.Ile946Val).

Department of Pathology and Laboratory Medicine, Sinai Health System
Classification: Uncertain significance for Familial cancer of breast; Breast-ovarian cancer, familial, susceptibility to, 1; Fanconi anemia, complementation group S. Last evaluated: 2023-04-11. Review status: criteria provided, single submitter. Criteria: ACMG Guidelines, 2015. Collection method: clinical testing. Allele origin: germline. Affected: yes.

University of Washington Department of Laboratory Medicine, University of Washington
Classification: Likely benign for Hereditary cancer-predisposing syndrome. Last evaluated: 2023-03-23. Review status: criteria provided, single submitter. Criteria: Dines et al. (Genet Med. 2020). Collection method: curation. Allele origin: germline.
Comment: Missense variant in a coldspot region where missense variants are very unlikely to be pathogenic (PMID:31911673).

BRCA1 coldspot (exon 11 using historical exon numbering). Reclassification based on statistical prior probability

Literature cited by the submitters: PubMed 33471991 (cited by Department of Pathology and Laboratory Medicine, Sinai Health System).